The following is an entry in ClinVar:

ClinVar aggregate classification (germline): Uncertain significance (1 of 4 stars; one submission).

gnomAD v4.1: 5 of 1,614,024 alleles (0.00031%); highest among the groups gnomAD compares: East Asian, 0.0022%; no homozygotes.

Submission:

Labcorp Genetics (formerly Invitae), Labcorp
Classification: Uncertain significance. Last evaluated: 2022-06-27. Review status: criteria provided, single submitter. Criteria: Invitae Variant Classification Sherloc (09022015). Collection method: clinical testing. Allele origin: germline.
Comment: This variant has not been reported in the literature in individuals affected with WFS1-related conditions. In summary, the available evidence is currently insufficient to determine the role of this variant in disease. Therefore, it has been classified as a Variant of Uncertain Significance. Advanced modeling of protein sequence and biophysical properties (such as structural, functional, and spatial information, amino acid conservation, physicochemical variation, residue mobility, and thermodynamic stability) performed at Invitae indicates that this missense variant is not expected to disrupt WFS1 protein function. This variant is not present in population databases (gnomAD no frequency). This sequence change replaces aspartic acid, which is acidic and polar, with glutamic acid, which is acidic and polar, at codon 339 of the WFS1 protein (p.Asp339Glu).

NM_006005.3(WFS1):c.1017C>G (p.Asp339Glu)

Gene: WFS1 (wolframin ER transmembrane glycoprotein; plus strand). Cytogenetic location: 4p16.1.
Variant type: single nucleotide variant.
Coding change: c.1017C>G on transcript NM_006005.3 (MANE Select); coding-DNA position 1017, C replaced by G.
Protein change: p.Asp339Glu; replaces aspartic acid 339 with glutamic acid.
Molecular consequence: missense variant.
Genome position (GRCh38, 1-based): chr4:6,300,812, C>G. VCF-style: chr4-6300812-C-G. GRCh37 (hg19) VCF-style: chr4-6302539-C-G.
Other names: c.1017C>G, p.Asp339Glu (NM_001145853.1); short protein forms D339E.
Identifiers: ClinVar variation 1429971 (VCV001429971.6), dbSNP rs1234696330, ClinGen allele CA356174078.